The following is an entry in ClinVar:

NM_004820.5(CYP7B1):c.78G>A (p.Ala26=)

Gene: CYP7B1 (cytochrome P450 family 7 subfamily B member 1; minus strand). Cytogenetic location: 8q12.3.
Variant type: single nucleotide variant.
Coding change: c.78G>A on transcript NM_004820.5 (MANE Select); coding-DNA position 78, G replaced by A.
Protein change: p.Ala26=; no amino-acid change (alanine 26 retained).
Molecular consequence: synonymous variant.
Genome position (GRCh38, 1-based): chr8:64,798,510, C>T on the plus strand (G>A on the coding strand, the complement: CYP7B1 is on the minus strand). VCF-style: chr8-64798510-C-T. GRCh37 (hg19) VCF-style: chr8-65711067-C-T.
Other names: c.78G>A (NM_004820.4); c.78G>A, p.Ala26= (NM_001324112.2).
Identifiers: ClinVar variation 2658629 (VCV002658629.28), dbSNP rs953886480, ClinGen allele CA461271349.

ClinVar aggregate classification (germline): Likely benign. Review status: criteria provided, multiple submitters, no conflicts (2 of 4 stars). 3 submissions from 3 submitters: Likely benign (3). Last evaluated 2025-09-23.

Conditions:
CYP7B1-related disorder. Also called: CYP7B1-related condition.
Spastic paraplegia. Identifiers: MedGen C0037772, HP:0001258.

gnomAD v4.1: 8 of 1,507,446 alleles (0.00053%); highest among the groups gnomAD compares: Non-Finnish European, 0.0007%; no homozygotes.

Submissions (3):

PreventionGenetics, part of Exact Sciences
Classification: Likely benign for CYP7B1-related condition. Last evaluated: 2025-09-23. Review status: criteria provided, single submitter. Criteria: ACMG Guidelines, 2015. Collection method: clinical testing. Allele origin: germline.
Comment: This variant is classified as likely benign based on ACMG/AMP sequence variant interpretation guidelines (Richards et al. 2015 PMID: 25741868, with internal and published modifications).

Labcorp Genetics (formerly Invitae), Labcorp
Classification: Likely benign for Spastic paraplegia. Last evaluated: 2023-07-30. Review status: criteria provided, single submitter. Criteria: Invitae Variant Classification Sherloc (09022015). Collection method: clinical testing. Allele origin: germline.

CeGaT Center for Human Genetics Tuebingen
Classification: Likely benign. Last evaluated: 2022-03-01. Review status: criteria provided, single submitter. Criteria: CeGaT Center For Human Genetics Tuebingen Variant Classification Criteria Version 2. Collection method: clinical testing. Allele origin: germline. Affected: yes. Observed: 1 variant allele.
Comment: CYP7B1: BP4, BP7